The following is an entry in ClinVar:

NM_020821.3(VPS13C):c.776G>A (p.Trp259Ter)

Gene: VPS13C (vacuolar protein sorting 13 homolog C; minus strand). Cytogenetic location: 15q22.2.
Variant type: single nucleotide variant.
Coding change: c.776G>A on transcript NM_020821.3 (MANE Select); coding-DNA position 776, G replaced by A.
Protein change: p.Trp259Ter; replaces tryptophan 259 with a stop codon.
Molecular consequence: nonsense.
Genome position (GRCh38, 1-based): chr15:62,013,088, C>T on the plus strand (G>A on the coding strand, the complement: VPS13C is on the minus strand). VCF-style: chr15-62013088-C-T. GRCh37 (hg19) VCF-style: chr15-62305287-C-T.
Other names: c.776G>A, p.Trp259Ter (NM_001018088.3); c.647G>A, p.Trp216Ter (NM_017684.5, NM_018080.4); short protein forms W259*, W216*.
Identifiers: ClinVar variation 1354775 (VCV001354775.6), dbSNP rs1477951170, ClinGen allele CA392689858.
Genomic context (GRCh38, chr15:62,013,088, plus strand): 5'-ATTAATATTACCAAAATCTGTTCCCTTGATCTCTGGTAAGACATGCTGCAATTTACATTC[C>T]AGTAGGCGCTAAGACTATCAAGTCGTATAAGCTATAAGAGAAAAATGAAAGAGATCAGGC-3'

ClinVar aggregate classification (germline): Pathogenic (1 of 4 stars; one submission).

Submission:

Labcorp Genetics (formerly Invitae), Labcorp
Classification: Pathogenic. Last evaluated: 2024-04-17. Review status: criteria provided, single submitter. Criteria: Invitae Variant Classification Sherloc (09022015). Collection method: clinical testing. Allele origin: germline.
Comment: This sequence change creates a premature translational stop signal (p.Trp259*) in the VPS13C gene. It is expected to result in an absent or disrupted protein product. Loss-of-function variants in VPS13C are known to be pathogenic (PMID: 26942284, 34875562). The frequency data for this variant in the population databases is considered unreliable, as metrics indicate poor data quality at this position in the gnomAD database. This variant has not been reported in the literature in individuals affected with VPS13C-related conditions. ClinVar contains an entry for this variant (Variation ID: 1354775). Algorithms developed to predict the effect of sequence changes on RNA splicing suggest that this variant may disrupt the consensus splice site. For these reasons, this variant has been classified as Pathogenic.

Literature cited by the submitters: PubMed 26942284; PubMed 34875562.